The following is an entry in ClinVar:

ClinVar aggregate classification (germline): Uncertain significance (1 of 4 stars; one submission).

Submission:

Ambry Genetics
Classification: Uncertain significance. Last evaluated: 2023-07-04. Review status: criteria provided, single submitter. Criteria: Ambry Variant Classification Scheme 2023. Collection method: clinical testing. Allele origin: germline.
Comment: The p.S647W variant (also known as c.1940C>G), located in coding exon 13 of the RINT1 gene, results from a C to G substitution at nucleotide position 1940. The serine at codon 647 is replaced by tryptophan, an amino acid with highly dissimilar properties. This amino acid position is conserved. In addition, this alteration is predicted to be tolerated by in silico analysis. Since supporting evidence is limited at this time, the clinical significance of this alteration remains unclear.

NM_021930.6(RINT1):c.1940C>G (p.Ser647Trp)

Genes: EFCAB10 (EF-hand calcium binding domain 10; minus strand), RINT1 (RAD50 interactor 1; plus strand). Cytogenetic location: 7q22.3.
Variant type: single nucleotide variant.
Coding change: c.1940C>G on transcript NM_021930.6 (MANE Select); coding-DNA position 1940, C replaced by G.
Protein change: p.Ser647Trp; replaces serine 647 with tryptophan.
Molecular consequence: missense variant. On other transcripts: 3 prime UTR variant (3), non-coding transcript variant (1).
Genome position (GRCh38, 1-based): chr7:105,565,330, C>G. VCF-style: chr7-105565330-C-G. GRCh37 (hg19) VCF-style: chr7-105205777-C-G.
Other names: c.*117G>C (NM_001355526.2); c.*219G>C (NM_001355530.2); c.*72G>C (NM_001355531.2); c.1706C>G, p.Ser569Trp (NM_001346599.2); c.917C>G, p.Ser306Trp (NM_001346600.2, NM_001346603.2); c.1016C>G, p.Ser339Trp (NM_001346601.2); short protein forms S339W, S569W, S647W, S306W.
Identifiers: ClinVar variation 2625520 (VCV002625520.2), dbSNP rs187666745, ClinGen allele CA368814746.